The following is an entry in ClinVar:

NM_000059.4(BRCA2):c.5350A>G (p.Asn1784Asp)

Gene: BRCA2 (BRCA2 DNA repair associated; plus strand). Cytogenetic location: 13q13.1.
Variant type: single nucleotide variant.
Coding change: c.5350A>G on transcript NM_000059.4 (MANE Select); coding-DNA position 5350, A replaced by G.
Protein change: p.Asn1784Asp; replaces asparagine 1784 with aspartic acid.
Molecular consequence: missense variant. On other transcripts: non-coding transcript variant (1), intron variant (2).
Genome position (GRCh38, 1-based): chr13:32,339,705, A>G. VCF-style: chr13-32339705-A-G. GRCh37 (hg19) VCF-style: chr13-32913842-A-G.
Other names: c.5350A>G, p.Asn1784Asp (NM_001406719.1, NM_001406720.1, NM_001432077.1); c.1910-4853A>G (NM_001406721.1); c.425-4853A>G (NM_001406722.1); short protein forms N1784D.
Identifiers: ClinVar variation 4856499 (VCV004856499.1).

ClinVar aggregate classification (germline): Likely benign (1 of 4 stars; one submission).

Conditions:
Breast-ovarian cancer, familial, susceptibility to, 2 (BROVCA2). Also called: BRCA2 Hereditary Breast and Ovarian Cancer. Identifiers: Orphanet 145, MedGen C2675520, MONDO:0012933, OMIM 612555. Disease mechanism: loss of function.

gnomAD v4.1: 1 of 1,613,508 alleles (0.000062%); highest among the groups gnomAD compares: Non-Finnish European, 0.000085%; no homozygotes.

Submission:

Cancer Bioinformatics and Tumour Evolution Laboratory, Monash University
Classification: Likely benign for Breast-ovarian cancer, familial, susceptibility to, 2. Last evaluated: 2026-05-01. Review status: criteria provided, single submitter. Criteria: ClinGen BRCA1 and BRCA2 Guidelines, 2024. Collection method: curation. Allele origin: germline. Inheritance: Autosomal dominant inheritance.
Comment: PMID: 39281752 - A large scale study to determine the case-control LR of BRCA1 and BRCA2 variants. The data was consolidated in the ccLR browser. This variant was found in the browser with a LR of 0.86179854 which is in the no evidence range according to the BRCA1 and BRCA2 VCEP. Hence, no evidence code is applied. Missense variant outside of a functional domain with no splice impact. BRCA1 and BRCA2 VCEP guidelines recommend application of BP1_Strong (PMID: 39142283)

Literature cited by the submitters: PubMed 39281752.